The following is an entry in ClinVar:

ClinVar aggregate classification (germline): Likely benign (1 of 4 stars; one submission).

Allele frequency attached by ClinVar (database versions not stated): gnomAD exomes 0.00001 and 0.00003; ExAC 0.00003; ESP Exome Variant Server 0.00008; TOPMed 0.00012; gnomAD 0.00014.
gnomAD v4.1: 39 of 1,604,260 alleles (0.0024%); highest among the groups gnomAD compares: African/African-American, 0.031%; no homozygotes.

Submission:

GeneDx
Classification: Likely benign. Last evaluated: 2016-03-01. Review status: criteria provided, single submitter. Criteria: GeneDx Variant Classification (06012015). Collection method: clinical testing. Allele origin: germline. Affected: yes.
Comment: This variant is considered likely benign or benign based on one or more of the following criteria: it is a conservative change, it occurs at a poorly conserved position in the protein, it is predicted to be benign by multiple in silico algorithms, and/or has population frequency not consistent with disease.

NM_000834.5(GRIN2B):c.-12G>A

Gene: GRIN2B (glutamate ionotropic receptor NMDA type subunit 2B; minus strand). Cytogenetic location: 12p13.1.
Variant type: single nucleotide variant.
Coding change: c.-12G>A on transcript NM_000834.5 (MANE Select); 12 bases upstream of the start codon, G replaced by A.
Molecular consequence: 5 prime UTR variant.
Genome position (GRCh38, 1-based): chr12:13,866,220, C>T on the plus strand (G>A on the coding strand, the complement: GRIN2B is on the minus strand). VCF-style: chr12-13866220-C-T. GRCh37 (hg19) VCF-style: chr12-14019154-C-T.
Identifiers: ClinVar variation 246426 (VCV000246426.1), dbSNP rs201343005, ClinGen allele CA6461483.